The following is an entry in ClinVar:

NM_004360.5(CDH1):c.1566-8C>T

Gene: CDH1 (cadherin 1; plus strand). Cytogenetic location: 16q22.1.
Variant type: single nucleotide variant.
Coding change: c.1566-8C>T on transcript NM_004360.5 (MANE Select); 8 bases into the intron before coding-DNA position 1566, C replaced by T.
Molecular consequence: intron variant.
Genome position (GRCh38, 1-based): chr16:68,819,272, C>T. VCF-style: chr16-68819272-C-T. GRCh37 (hg19) VCF-style: chr16-68853175-C-T.
Other names: c.18-8C>T (NM_001317185.2); c.-254-2729C>T (NM_001317186.2); c.1383-8C>T (NM_001317184.2).
Identifiers: ClinVar variation 2745845 (VCV002745845.4), dbSNP rs587780114, ClinGen allele CA2229977728.
Genomic context (GRCh38, chr16:68,819,272, plus strand): 5'-TTAAGCCGTTTTCAGCTACATGTTGTTTGCTGGTCCTATTCTAAAAGCCAGAGCTTGTCC[C>T]CGTTCAGATATCGGATTTGGAGAGACACTGCCAACTGGCTGGAGATTAATCCGGACACTG-3'

ClinVar aggregate classification (germline): Likely benign. Review status: criteria provided, multiple submitters, no conflicts (2 of 4 stars). 2 submissions from 2 submitters: Likely benign (2). Last evaluated 2024-09-19.

Conditions:
Hereditary diffuse gastric adenocarcinoma (HDGC). Also called: DIFFUSE GASTRIC AND LOBULAR BREAST CANCER SYNDROME. Identifiers: Orphanet 26106, MedGen C1708349, MONDO:0007648, OMIM 137215.

Submissions (2):

Myriad Genetics, Inc.
Classification: Likely benign for Hereditary diffuse gastric adenocarcinoma. Last evaluated: 2024-09-19. Review status: criteria provided, single submitter. Criteria: Myriad Autosomal Dominant, Autosomal Recessive and X-Linked Classification Criteria (2023). Collection method: clinical testing. Allele origin: unknown.
Comment: This variant is considered likely benign. This variant is intronic and is not expected to impact mRNA splicing.

Labcorp Genetics (formerly Invitae), Labcorp
Classification: Likely benign for Hereditary diffuse gastric adenocarcinoma. Last evaluated: 2024-04-10. Review status: criteria provided, single submitter. Criteria: Invitae Variant Classification Sherloc (09022015). Collection method: clinical testing. Allele origin: germline.